The following is an entry in ClinVar:

NM_015278.5(SASH1):c.1528A>G (p.Ser510Gly)

Gene: SASH1 (SAM and SH3 domain containing 1; plus strand). Cytogenetic location: 6q25.1.
Variant type: single nucleotide variant.
Coding change: c.1528A>G on transcript NM_015278.5 (MANE Select); coding-DNA position 1528, A replaced by G.
Protein change: p.Ser510Gly; replaces serine 510 with glycine.
Molecular consequence: missense variant.
Genome position (GRCh38, 1-based): chr6:148,531,625, A>G. VCF-style: chr6-148531625-A-G. GRCh37 (hg19) VCF-style: chr6-148852761-A-G.
Other names: c.1393A>G, p.Ser465Gly (NM_001346505.2); c.1156A>G, p.Ser386Gly (NM_001346506.2); c.811A>G, p.Ser271Gly (NM_001346507.2); c.1300A>G, p.Ser434Gly (NM_001346508.2); c.1177A>G, p.Ser393Gly (NM_001346509.2); short protein forms S271G, S386G, S393G, S434G, S465G, S510G.
Identifiers: ClinVar variation 985506 (VCV000985506.4), dbSNP rs1781524840, ClinGen allele CA365987379.
Genomic context (GRCh38, chr6:148,531,625, plus strand): 5'-TCACAGCCCGACCCCGAACACTTGGACAAGCCCAAGCTCAAGGCCGGGGGTTCTGTAGAA[A>G]GTCTTCGCAGTTCTCTCAGTGGGCAGAGCTCCATGAGTAAGTCGAGTTTGTCATTGTAGA-3'
Protein context (NP_056093.3, residues 500-520): PKLKAGGSVE[Ser510Gly]LRSSLSGQSS

ClinVar aggregate classification (germline): Uncertain significance (1 of 4 stars; one submission).

Conditions:
Inborn genetic diseases. Identifiers: MedGen C0950123, MeSH D030342.

Allele frequency attached by ClinVar (database versions not stated): gnomAD exomes below 0.00001.
gnomAD v4.1: 1 of 1,567,732 alleles (0.000064%); highest among the groups gnomAD compares: African/African-American, 0.0014%; no homozygotes.

Submission:

Ambry Genetics
Classification: Uncertain significance for Inborn genetic diseases. Last evaluated: 2020-12-15. Review status: criteria provided, single submitter. Criteria: Ambry Variant Classification Scheme 2023. Collection method: clinical testing. Allele origin: germline.
Comment: The c.1528A>G (p.S510G) alteration is located in coding exon 13 of the SASH1 gene. This alteration results from an A to G substitution at nucleotide position 1528, causing the serine (S) at amino acid position 510 to be replaced by a glycine (G). Based on data from the Genome Aggregation Database (gnomAD), the SASH1 c.1528A>G alteration was not observed, with coverage at this position. The p.S510 amino acid is conserved in available vertebrate species. The p.S510G alteration is predicted to be tolerated by in silico analysis. Based on insufficient or conflicting evidence, the clinical significance of this alteration remains unclear.